The following is an entry in ClinVar:

NM_000243.3(MEFV):c.2033G>A (p.Gly678Glu)

Genes: MEFV (MEFV innate immunity regulator, pyrin; minus strand), LOC126862264 (CDK7 strongly-dependent group 2 enhancer GRCh37_chr16:3293322-3294521; plus strand). Cytogenetic location: 16p13.3.
Variant type: single nucleotide variant.
Coding change: c.2033G>A on transcript NM_000243.3 (MANE Select); coding-DNA position 2033, G replaced by A.
Protein change: p.Gly678Glu; replaces glycine 678 with glutamic acid.
Molecular consequence: missense variant. On other transcripts: 3 prime UTR variant (1).
Genome position (GRCh38, 1-based): chr16:3,243,454, C>T on the plus strand (G>A on the coding strand, the complement: MEFV is on the minus strand). VCF-style: chr16-3243454-C-T. GRCh37 (hg19) VCF-style: chr16-3293454-C-T.
Other names: c.*237G>A (NM_001198536.2); short protein forms G678E.
Identifiers: ClinVar variation 97479 (VCV000097479.12), dbSNP rs104895088, ClinGen allele CA280487.

ClinVar aggregate classification (germline): Conflicting classifications of pathogenicity. Review status: criteria provided, conflicting classifications (1 of 4 stars). 12 submissions from 10 submitters: Uncertain significance (7); Likely benign (2). 3 of the submissions do not count toward it. Last evaluated 2024-03-22.

Conditions:
Acute febrile neutrophilic dermatosis (AFND). Also called: Sweet Syndrome; Gomm Button disease. Identifiers: Orphanet 3243, MedGen C0085077, MONDO:0011959, OMIM 608068.
Familial Mediterranean fever (FMF). Also called: POLYSEROSITIS, FAMILIAL PAROXYSMAL; POLYSEROSITIS, RECURRENT; Periodic peritonitis; Benign paroxysmal peritonitis. Identifiers: Orphanet 342, MedGen C0031069, MONDO:0018088, OMIM 249100. Disease mechanism: gain of function.
Familial Mediterranean fever, autosomal dominant. Also called: FMF, AUTOSOMAL DOMINANT; Dominant Familial Mediterranean Fever. Identifiers: Orphanet 342, MedGen C1851347, MONDO:0007601, OMIM 134610.

Allele frequency attached by ClinVar (database versions not stated): gnomAD 0.00001 and 0.00002; ExAC 0.00002; gnomAD exomes 0.00004 and 0.00007; TOPMed 0.00004.
gnomAD v4.1: 110 of 1,613,986 alleles (0.0068%); highest among the groups gnomAD compares: Non-Finnish European, 0.0088%; no homozygotes.

Submissions (12):

Fulgent Genetics
Classification: Uncertain significance for Familial Mediterranean fever, autosomal dominant; Familial Mediterranean fever; Acute febrile neutrophilic dermatosis. Last evaluated: 2024-03-22. Review status: criteria provided, single submitter. Criteria: ACMG Guidelines, 2015. Collection method: clinical testing. Allele origin: germline.

Blueprint Genetics
Classification: Uncertain significance. Last evaluated: 2023-09-11. Review status: criteria provided, single submitter. Criteria: ACMG Guidelines, 2015. Collection method: clinical testing. Allele origin: germline.

Genome-Nilou Lab
Classification: Uncertain significance for Familial Mediterranean fever. Last evaluated: 2023-02-08. Review status: criteria provided, single submitter. Criteria: ACMG Guidelines, 2015. Collection method: clinical testing. Allele origin: germline.

Genome-Nilou Lab
Classification: Likely benign for Familial Mediterranean fever, autosomal dominant. Last evaluated: 2023-02-08. Review status: criteria provided, single submitter. Criteria: ACMG Guidelines, 2015. Collection method: clinical testing. Allele origin: germline.

Genome-Nilou Lab
Classification: Likely benign for Acute febrile neutrophilic dermatosis. Last evaluated: 2023-02-08. Review status: criteria provided, single submitter. Criteria: ACMG Guidelines, 2015. Collection method: clinical testing. Allele origin: germline.

Labcorp Genetics (formerly Invitae), Labcorp
Classification: Uncertain significance for Familial Mediterranean fever. Last evaluated: 2022-06-13. Review status: criteria provided, single submitter. Criteria: Invitae Variant Classification Sherloc (09022015). Collection method: clinical testing. Allele origin: germline.
Comment: This sequence change replaces glycine, which is neutral and non-polar, with glutamic acid, which is acidic and polar, at codon 678 of the MEFV protein (p.Gly678Glu). This variant is present in population databases (rs104895088, gnomAD 0.009%). This missense change has been observed in individual(s) with familial Mediterranean fever (PMID: 11464238). ClinVar contains an entry for this variant (Variation ID: 97479). Algorithms developed to predict the effect of missense changes on protein structure and function output the following: SIFT: "Tolerated"; PolyPhen-2: "Possibly Damaging"; Align-GVGD: "Class C0". The glutamic acid amino acid residue is found in multiple mammalian species, which suggests that this missense change does not adversely affect protein function. In summary, the available evidence is currently insufficient to determine the role of this variant in disease. Therefore, it has been classified as a Variant of Uncertain Significance.

Department of Pathology and Laboratory Medicine, Sinai Health System
Classification: Uncertain significance for Familial Mediterranean fever, autosomal dominant; Familial Mediterranean fever; Acute febrile neutrophilic dermatosis. Last evaluated: 2021-10-08. Review status: criteria provided, single submitter. Criteria: ACMG Guidelines, 2015. Collection method: research. Allele origin: germline.

Mendelics
Classification: Uncertain significance for Familial Mediterranean fever. Last evaluated: 2019-05-28. Review status: criteria provided, single submitter. Criteria: Mendelics Assertion Criteria 2017. Collection method: clinical testing. Allele origin: unknown.

GeneDx
Classification: Uncertain significance. Last evaluated: 2018-12-26. Review status: criteria provided, single submitter. Criteria: GeneDx Variant Classification (06012015). Collection method: clinical testing. Allele origin: germline. Affected: yes.
Comment: The G678E variant has been published previously in the heterozgyous state in patients with familial Mediterranean fevers (Gharesouran et al., 2014; Touitou et al., 2001). The variant is observed in 11/126720 (0.0087%) alleles from individuals of European background in large population cohorts (Lek et al., 2016). G678E is a non-conservative amino acid substitution, which is likely to impact secondary protein structure as these residues differ in polarity, charge, size and/or other properties. In-silico analyses, including protein predictors and evolutionary conservation, support a deleterious effect. Additionally, missense variants in nearby residues (S675N, M680L/V/I, T681I) have been reported in the Human Gene Mutation Database in association with familial Mediterranean fever (Stenson et al., 2014), supporting the functional importance of this region of the protein. Studies have predicted that the G678E variant changes the conformation of the fifth loop in the B30.2/SPRY domain; however, the effect of this change in disease remains unknown (Weinert et al., 2009). Therefore, based on the currently available information, it is unclear whether this variant is a pathogenic variant or a rare benign variant.

Molecular Genetics Laboratory, BC Children's and BC Women's Hospitals
Classification: Uncertain significance for Familial Mediterranean fever. Last evaluated: 2025-08-13. Review status: no assertion criteria provided. Criteria: ACMG Guidelines, 2015. Collection method: clinical testing. Allele origin: germline. Affected: yes. Not counted in ClinVar's aggregate classification.

Natera, Inc.
Classification: Uncertain significance for Familial Mediterranean fever. Last evaluated: 2020-09-16. Review status: no assertion criteria provided. Collection method: clinical testing. Allele origin: germline. Not counted in ClinVar's aggregate classification.

Unité médicale des maladies autoinflammatoires, CHRU Montpellier
No classification provided. Condition: Familial Mediterranean fever. Review status: no classification provided. Collection method: not provided. Allele origin: unknown. Not counted in ClinVar's aggregate classification.

Literature cited by the submitters: PubMed 11464238 (cited by Labcorp Genetics (formerly Invitae), Labcorp).